The following is an entry in ClinVar:

NM_000465.4(BARD1):c.426A>C (p.Ser142=)

Gene: BARD1 (BRCA1 associated RING domain 1; minus strand). Cytogenetic location: 2q35.
Variant type: single nucleotide variant.
Coding change: c.426A>C on transcript NM_000465.4 (MANE Select); coding-DNA position 426, A replaced by C.
Protein change: p.Ser142=; no amino-acid change (serine 142 retained).
Molecular consequence: synonymous variant. On other transcripts: non-coding transcript variant (2), intron variant (3).
Genome position (GRCh38, 1-based): chr2:214,781,448, T>G on the plus strand (A>C on the coding strand, the complement: BARD1 is on the minus strand). VCF-style: chr2-214781448-T-G. GRCh37 (hg19) VCF-style: chr2-215646172-T-G.
Other names: c.369A>C, p.Ser123= (NM_001282543.2); c.158+27964A>C (NM_001282548.2); c.215+15613A>C (NM_001282545.2); c.364+10849A>C (NM_001282549.2).
Identifiers: ClinVar variation 3378639 (VCV003378639.1).

ClinVar aggregate classification (germline): Benign (1 of 4 stars; one submission).

Conditions:
Familial cancer of breast. Also called: hereditary breast carcinoma; Hereditary breast cancer; BREAST CANCER, FAMILIAL. Identifiers: Orphanet 227535, MedGen C0346153, MONDO:0016419, OMIM 114480. Disease mechanism: loss of function.

Submission:

Myriad Genetics, Inc.
Classification: Benign for Familial cancer of breast. Last evaluated: 2024-07-19. Review status: criteria provided, single submitter. Criteria: Myriad Autosomal Dominant, Autosomal Recessive and X-Linked Classification Criteria (2023). Collection method: clinical testing. Allele origin: unknown.
Comment: This variant is considered benign. This variant is a silent/synonymous amino acid change and it is not expected to impact splicing.